The following is an entry in ClinVar:

NM_001734.5(C1S):c.1114G>T (p.Asp372Tyr)

Gene: C1S (complement C1s; plus strand). Cytogenetic location: 12p13.31.
Variant type: single nucleotide variant.
Coding change: c.1114G>T on transcript NM_001734.5 (MANE Select); coding-DNA position 1114, G replaced by T.
Protein change: p.Asp372Tyr; replaces aspartic acid 372 with tyrosine.
Molecular consequence: missense variant.
Genome position (GRCh38, 1-based): chr12:7,067,690, G>T. VCF-style: chr12-7067690-G-T. GRCh37 (hg19) VCF-style: chr12-7174994-G-T.
Other names: c.1114G>T (NM_201442.2, NM_201442.3); c.613G>T, p.Asp205Tyr (NM_001346850.2); c.1114G>T, p.Asp372Tyr (NM_201442.4); short protein forms D205Y, D372Y.
Identifiers: ClinVar variation 1012817 (VCV001012817.52), dbSNP rs201750214, ClinGen allele CA6423681.

ClinVar aggregate classification (germline): Conflicting classifications of pathogenicity. Review status: criteria provided, conflicting classifications (1 of 4 stars). 6 submissions from 6 submitters: Uncertain significance (4); Likely benign (1). 1 of the submissions does not count toward it. Last evaluated 2026-03-24.

Conditions:
C1S-related disorder. Also called: C1S-related condition.
Inborn genetic diseases. Identifiers: MedGen C0950123, MeSH D030342.

Allele frequency attached by ClinVar (database versions not stated): ExAC 0.00017; TOPMed 0.00018; gnomAD 0.00020.

Submissions (6):

Women's Health and Genetics/Laboratory Corporation of America, LabCorp
Classification: Uncertain significance. Last evaluated: 2026-03-24. Review status: criteria provided, single submitter. Criteria: LabCorp Variant Classification Summary - May 2015. Collection method: clinical testing. Allele origin: germline.
Comment: Variant summary: C1S c.1114G>T (p.Asp372Tyr) results in a non-conservative amino acid change in the encoded protein sequence. Algorithms developed to predict the effect of missense changes on protein structure and function are either unavailable or do not agree on the potential impact of this missense change. The variant allele was found at a frequency of 0.00016 in 251468 control chromosomes. This frequency is not significantly higher than estimated for disease-causing variants in C1S, allowing no conclusion about variant significance. To our knowledge, no occurrence of c.1114G>T in individuals affected with C1S-related conditions and no experimental evidence demonstrating its impact on protein function have been reported. ClinVar contains an entry for this variant (Variation ID: 1012817). Based on the evidence outlined above, the variant was classified as uncertain significance.

Labcorp Genetics (formerly Invitae), Labcorp
Classification: Likely benign. Last evaluated: 2025-12-14. Review status: criteria provided, single submitter. Criteria: Invitae Variant Classification Sherloc (09022015). Collection method: clinical testing. Allele origin: germline.

Blueprint Genetics
Classification: Uncertain significance. Last evaluated: 2024-11-19. Review status: criteria provided, single submitter. Criteria: ACMG Guidelines, 2015. Collection method: clinical testing. Allele origin: germline.

CeGaT Center for Human Genetics Tuebingen
Classification: Uncertain significance. Last evaluated: 2024-11-01. Review status: criteria provided, single submitter. Criteria: CeGaT Center For Human Genetics Tuebingen Variant Classification Criteria Version 2. Collection method: clinical testing. Allele origin: germline. Affected: yes. Observed: 3 variant alleles.
Comment: C1S: PM2, BP4

Ambry Genetics
Classification: Uncertain significance for Inborn genetic diseases. Last evaluated: 2022-09-27. Review status: criteria provided, single submitter. Criteria: Ambry Variant Classification Scheme 2023. Collection method: clinical testing. Allele origin: germline.

PreventionGenetics, part of Exact Sciences
Classification: Uncertain significance for C1S-related condition. Last evaluated: 2024-02-14. Review status: no assertion criteria provided. Collection method: clinical testing. Allele origin: germline. Not counted in ClinVar's aggregate classification.
Comment: The C1S c.1114G>T variant is predicted to result in the amino acid substitution p.Asp372Tyr. To our knowledge, this variant has not been reported in the literature. This variant is reported in 0.033% of alleles in individuals of European (non-Finnish) descent in gnomAD. At this time, the clinical significance of this variant is uncertain due to the absence of conclusive functional and genetic evidence.